The following is an entry in ClinVar:

NM_004284.6(CHD1L):c.2175C>G (p.Thr725=)

Gene: CHD1L (chromodomain helicase DNA binding protein 1 like; plus strand). Cytogenetic location: 1q21.1.
Variant type: single nucleotide variant.
Coding change: c.2175C>G on transcript NM_004284.6 (MANE Select); coding-DNA position 2175, C replaced by G.
Protein change: p.Thr725=; no amino-acid change (threonine 725 retained).
Molecular consequence: synonymous variant. On other transcripts: non-coding transcript variant (16).
Genome position (GRCh38, 1-based): chr1:147,286,454, C>G. VCF-style: chr1-147286454-C-G. GRCh37 (hg19) VCF-style: chr1-146758131-C-G.
Other names: c.1875C>G, p.Thr625= (NM_001256336.3); c.1332C>G, p.Thr444= (NM_001256337.3, NM_001348456.2, NM_001348457.2 and 9 more transcripts); c.1563C>G, p.Thr521= (NM_001256338.3); c.1959C>G, p.Thr653= (NM_001348451.2, NM_001348452.2); c.1836C>G, p.Thr612= (NM_001348453.2, NM_024568.4); c.1719C>G, p.Thr573= (NM_001348454.2); c.1686C>G, p.Thr562= (NM_001348455.2).
Identifiers: ClinVar variation 3032347 (VCV003032347.2), dbSNP rs782372564, ClinGen allele CA1063981.
Genomic context (GRCh38, chr1:147,286,454, plus strand): 5'-TGAGCTGGATTACCAAGACCCAGATGCTACTTCCCTCAAGTACGTTAGTGGTGATGTCAC[C>G]CACCCTCAGGCTGGGGCCGAGGATGCTCTCATTGTGCACTGCGTAGGTACGAGAAGTGGT-3'
Protein context (NP_004275.4, residues 715-735): TSLKYVSGDV[Thr725=]HPQAGAEDAL

ClinVar aggregate classification (germline): Likely benign (0 of 4 stars; one submission).

Conditions:
CHD1L-related disorder. Also called: CHD1L-related condition.

Allele frequency attached by ClinVar (database versions not stated): gnomAD exomes below 0.00001; ExAC 0.00001.
gnomAD v4.1: 4 of 1,614,006 alleles (0.00025%); highest among the groups gnomAD compares: Non-Finnish European, 0.00034%; no homozygotes.

Submission:

PreventionGenetics, part of Exact Sciences
Classification: Likely benign for CHD1L-related condition. Last evaluated: 2024-02-22. Review status: no assertion criteria provided. Collection method: clinical testing. Allele origin: germline.
Comment: This variant is classified as likely benign based on ACMG/AMP sequence variant interpretation guidelines (Richards et al. 2015 PMID: 25741868, with internal and published modifications).